The following is an entry in ClinVar:

NM_015072.5(TTLL5):c.3393del (p.Val1133fs)

Gene: TTLL5 (tubulin tyrosine ligase like 5; plus strand). Cytogenetic location: 14q24.3.
Variant type: Deletion.
Coding change: c.3393del on transcript NM_015072.5 (MANE Select); coding-DNA position 3393, one base deleted (A; older notation c.3393delA).
Protein change: p.Val1133fs; shifts the reading frame from valine 1133.
Molecular consequence: frameshift variant.
Genome position (GRCh38, 1-based): chr14:75,863,733, A deleted. VCF-style (leftmost placement, unchanged base first): chr14-75863732-CA-C. GRCh37 (hg19) VCF-style: chr14-76330075-CA-C.
Other names: short protein forms V1133fs.
Identifiers: ClinVar variation 856502 (VCV000856502.9), dbSNP rs2030231685, ClinGen allele CA916083390.

ClinVar aggregate classification (germline): Pathogenic (1 of 4 stars; one submission).

Submission:

Labcorp Genetics (formerly Invitae), Labcorp
Classification: Pathogenic. Last evaluated: 2022-07-12. Review status: criteria provided, single submitter. Criteria: Invitae Variant Classification Sherloc (09022015). Collection method: clinical testing. Allele origin: germline.
Comment: This variant is not present in population databases (gnomAD no frequency). This sequence change creates a premature translational stop signal (p.Val1133Trpfs*58) in the TTLL5 gene. It is expected to result in an absent or disrupted protein product. Loss-of-function variants in TTLL5 are known to be pathogenic (PMID: 24791901, 27162334). This variant has not been reported in the literature in individuals affected with TTLL5-related conditions. For these reasons, this variant has been classified as Pathogenic. ClinVar contains an entry for this variant (Variation ID: 856502).

Literature cited by the submitters: PubMed 24791901; PubMed 27162334.